The following is an entry in ClinVar:

ClinVar aggregate classification (germline): Uncertain significance (1 of 4 stars; one submission).

Submission:

GeneDx
Classification: Uncertain significance. Last evaluated: 2020-09-16. Review status: criteria provided, single submitter. Criteria: GeneDx Variant Classification Process June 2021. Collection method: clinical testing. Allele origin: germline. Affected: yes.
Comment: Has not been previously published as pathogenic or benign to our knowledge; In silico analysis, which includes protein predictors and evolutionary conservation, supports a deleterious effect; Not located in the triple helical region, where the majority of pathogenic missense variants occur (Stenson et al., 2014)

NM_000088.4(COL1A1):c.209G>A (p.Cys70Tyr)

Gene: COL1A1 (collagen type I alpha 1 chain; minus strand). Cytogenetic location: 17q21.33.
Variant type: single nucleotide variant.
Coding change: c.209G>A on transcript NM_000088.4 (MANE Select); coding-DNA position 209, G replaced by A.
Protein change: p.Cys70Tyr; replaces cysteine 70 with tyrosine.
Molecular consequence: missense variant.
Genome position (GRCh38, 1-based): chr17:50,199,842, C>T on the plus strand (G>A on the coding strand, the complement: COL1A1 is on the minus strand). VCF-style: chr17-50199842-C-T. GRCh37 (hg19) VCF-style: chr17-48277203-C-T.
Other names: short protein forms C70Y.
Identifiers: ClinVar variation 1312244 (VCV001312244.2), dbSNP rs1221233834, ClinGen allele CA400228332.